The following is an entry in ClinVar:

ClinVar aggregate classification (germline): Uncertain significance. Review status: criteria provided, multiple submitters, no conflicts (2 of 4 stars). 4 submissions from 4 submitters: Uncertain significance (4). Last evaluated 2025-09-01.

Conditions:
Emery-Dreifuss muscular dystrophy 5, autosomal dominant (EDMD5). Also called: EMERY-DREIFUSS MUSCULAR DYSTROPHY 5. Identifiers: Orphanet 261, MedGen C2751805, MONDO:0013072, OMIM 612999.

Allele frequency attached by ClinVar (database versions not stated): gnomAD 0.00001; TOPMed 0.00001; ESP Exome Variant Server 0.00008.
gnomAD v4.1: 38 of 1,614,056 alleles (0.0024%); highest among the groups gnomAD compares: Admixed American, 0.0083%; no homozygotes.

Submissions (4):

CeGaT Center for Human Genetics Tuebingen
Classification: Uncertain significance. Last evaluated: 2025-09-01. Review status: criteria provided, single submitter. Criteria: CeGaT Center For Human Genetics Tuebingen Variant Classification Criteria Version 2. Collection method: clinical testing. Allele origin: germline. Affected: yes. Observed: 1 variant allele.
Comment: SYNE2: PM2, PS2:Supporting, BP4

Ambry Genetics
Classification: Uncertain significance. Last evaluated: 2025-05-20. Review status: criteria provided, single submitter. Criteria: Ambry Variant Classification Scheme 2023. Collection method: clinical testing. Allele origin: germline.

Labcorp Genetics (formerly Invitae), Labcorp
Classification: Uncertain significance for Emery-Dreifuss muscular dystrophy 5, autosomal dominant. Last evaluated: 2023-08-27. Review status: criteria provided, single submitter. Criteria: Invitae Variant Classification Sherloc (09022015). Collection method: clinical testing. Allele origin: germline.
Comment: This sequence change replaces arginine, which is basic and polar, with tryptophan, which is neutral and slightly polar, at codon 5573 of the SYNE2 protein (p.Arg5573Trp). In summary, the available evidence is currently insufficient to determine the role of this variant in disease. Therefore, it has been classified as a Variant of Uncertain Significance. An algorithm developed to predict the effect of missense changes on protein structure and function (PolyPhen-2) suggests that this variant is likely to be disruptive. ClinVar contains an entry for this variant (Variation ID: 500415). This variant has not been reported in the literature in individuals affected with SYNE2-related conditions. This variant is present in population databases (rs138323662, gnomAD 0.009%).

Eurofins Ntd Llc (ga)
Classification: Uncertain significance. Last evaluated: 2017-02-08. Review status: criteria provided, single submitter. Criteria: EGL Classification Definitions 2015. Collection method: clinical testing. Allele origin: germline. Observed: 1 variant allele, 1 heterozygote.

NM_182914.3(SYNE2):c.16717C>T (p.Arg5573Trp)

Gene: SYNE2 (spectrin repeat containing nuclear envelope protein 2; plus strand). Cytogenetic location: 14q23.2.
Variant type: single nucleotide variant.
Coding change: c.16717C>T on transcript NM_182914.3 (MANE Select); coding-DNA position 16717, C replaced by T.
Protein change: p.Arg5573Trp; replaces arginine 5573 with tryptophan.
Molecular consequence: missense variant.
Genome position (GRCh38, 1-based): chr14:64,167,344, C>T. VCF-style: chr14-64167344-C-T. GRCh37 (hg19) VCF-style: chr14-64634062-C-T.
Other names: c.16717C>T, p.Arg5573Trp (NM_015180.6); short protein forms R5573W.
Identifiers: ClinVar variation 500415 (VCV000500415.21), dbSNP rs138323662, ClinGen allele CA7223464.